The following is an entry in ClinVar:

NM_014946.4(SPAST):c.217del (p.Leu73fs)

Gene: SPAST (spastin; plus strand). Cytogenetic location: 2p22.3.
Variant type: Deletion.
Coding change: c.217del on transcript NM_014946.4 (MANE Select); coding-DNA position 217, one base deleted (C; older notation c.217delC).
Protein change: p.Leu73fs; shifts the reading frame from leucine 73.
Molecular consequence: frameshift variant.
Genome position (GRCh38, 1-based): chr2:32,064,048, C deleted. VCF-style (leftmost placement, unchanged base first): chr2-32064047-GC-G. GRCh37 (hg19) VCF-style: chr2-32289116-GC-G.
Other names: c.217del, p.Leu73fs (NM_001363823.2, NM_001363875.2, NM_001377959.1 and 1 more transcripts); short protein forms L73fs.
Identifiers: ClinVar variation 2861698 (VCV002861698.3), dbSNP rs2465681472, ClinGen allele CA2658519898.

ClinVar aggregate classification (germline): Pathogenic (1 of 4 stars; one submission).

Conditions:
Hereditary spastic paraplegia 4. Also called: Spastic Paraplegia 4; Spastic paraplegia 4, autosomal dominant; Familial spastic paraplegia autosomal dominant 2. Identifiers: Orphanet 100985, MedGen C1866855, MONDO:0008438, OMIM 182601.

Allele frequency attached by ClinVar (database versions not stated): gnomAD exomes below 0.00001.

Submission:

Labcorp Genetics (formerly Invitae), Labcorp
Classification: Pathogenic for Hereditary spastic paraplegia 4. Last evaluated: 2023-05-05. Review status: criteria provided, single submitter. Criteria: Invitae Variant Classification Sherloc (09022015). Collection method: clinical testing. Allele origin: germline.
Comment: This sequence change creates a premature translational stop signal (p.Leu73Serfs*88) in the SPAST gene. It is expected to result in an absent or disrupted protein product. Loss-of-function variants in SPAST are known to be pathogenic (PMID: 20932283). This variant is not present in population databases (gnomAD no frequency). This variant has not been reported in the literature in individuals affected with SPAST-related conditions. For these reasons, this variant has been classified as Pathogenic.

Literature cited by the submitters: PubMed 20932283.